The following is an entry in ClinVar:

ClinVar aggregate classification (germline): Uncertain significance. Review status: criteria provided, multiple submitters, no conflicts (2 of 4 stars). 2 submissions from 2 submitters: Uncertain significance (2). Last evaluated 2025-02-19.

Conditions:
Type 2 diabetes mellitus. Also called: Type II diabetes mellitus. Identifiers: MedGen C0011860, MeSH D003924, MONDO:0005148, OMIM 125853, HP:0005978.
Maturity-onset diabetes of the young type 6 (MODY6). Identifiers: Orphanet 552, MedGen C1853371, MONDO:0011668, OMIM 606394.

Submissions (2):

Labcorp Genetics (formerly Invitae), Labcorp
Classification: Uncertain significance. Last evaluated: 2025-02-19. Review status: criteria provided, single submitter. Criteria: Invitae Variant Classification Sherloc (09022015). Collection method: clinical testing. Allele origin: germline.
Comment: This sequence change replaces serine, which is neutral and polar, with glycine, which is neutral and non-polar, at codon 211 of the NEUROD1 protein (p.Ser211Gly). This variant is present in population databases (no rsID available, gnomAD 0.002%). This variant has not been reported in the literature in individuals affected with NEUROD1-related conditions. ClinVar contains an entry for this variant (Variation ID: 3585108). Invitae Evidence Modeling of protein sequence and biophysical properties (such as structural, functional, and spatial information, amino acid conservation, physicochemical variation, residue mobility, and thermodynamic stability) indicates that this missense variant is not expected to disrupt NEUROD1 protein function with a negative predictive value of 80%. In summary, the available evidence is currently insufficient to determine the role of this variant in disease. Therefore, it has been classified as a Variant of Uncertain Significance.

Fulgent Genetics
Classification: Uncertain significance for Type 2 diabetes mellitus; Maturity-onset diabetes of the young type 6. Last evaluated: 2024-02-22. Review status: criteria provided, single submitter. Criteria: ACMG Guidelines, 2015. Collection method: clinical testing. Allele origin: germline.

NM_002500.5(NEUROD1):c.631A>G (p.Ser211Gly)

Gene: NEUROD1 (neuronal differentiation 1; minus strand). Cytogenetic location: 2q31.3.
Variant type: single nucleotide variant.
Coding change: c.631A>G on transcript NM_002500.5 (MANE Select); coding-DNA position 631, A replaced by G.
Protein change: p.Ser211Gly; replaces serine 211 with glycine.
Molecular consequence: missense variant.
Genome position (GRCh38, 1-based): chr2:181,678,230, T>C on the plus strand (A>G on the coding strand, the complement: NEUROD1 is on the minus strand). VCF-style: chr2-181678230-T-C. GRCh37 (hg19) VCF-style: chr2-182542957-T-C.
Other names: short protein forms S211G.
Identifiers: ClinVar variation 3585108 (VCV003585108.2).